The following is an entry in ClinVar:

ClinVar aggregate classification (germline): Uncertain significance (1 of 4 stars; one submission).

Conditions:
Primary ciliary dyskinesia 3. Identifiers: Orphanet 244, MedGen C1837618, MONDO:0012085, OMIM 608644.

Submission:

3billion
Classification: Uncertain significance for Primary ciliary dyskinesia 3. Last evaluated: 2025-10-29. Review status: criteria provided, single submitter. Criteria: ACMG Guidelines, 2015. Collection method: clinical testing. Allele origin: germline. Affected: yes.
Comment: The variant is not observed in the gnomAD v4.1.0 dataset. Predicted Consequence/Location: Missense variant. The majority of the known disease-causing variants of this gene are variants expected to result in premature termination of the protein. In silico tool predictions suggest damaging effect of the variant on gene or gene product [REVEL: 0.96 (>=0.6, sensitivity 0.68 and specificity 0.92); 3Cnet: 0.90 (> 0.75, sensitivity 0.96 and precision 0.92)]. A different missense change at the same codon (p.Gly2303Ala) has been reported to be associated with DNAH5-related disorder (ClinVar ID: VCV002770793). However the evidence of pathogenicity is insufficient at this time. Therefore, this variant is classified as VUS according to the recommendation of ACMG/AMP guideline.

NM_001369.3(DNAH5):c.6908G>A (p.Gly2303Asp)

Gene: DNAH5 (dynein axonemal heavy chain 5; minus strand). Cytogenetic location: 5p15.2.
Variant type: single nucleotide variant.
Coding change: c.6908G>A on transcript NM_001369.3 (MANE Select); coding-DNA position 6908, G replaced by A.
Protein change: p.Gly2303Asp; replaces glycine 2303 with aspartic acid.
Molecular consequence: missense variant.
Genome position (GRCh38, 1-based): chr5:13,817,628, C>T on the plus strand (G>A on the coding strand, the complement: DNAH5 is on the minus strand). VCF-style: chr5-13817628-C-T. GRCh37 (hg19) VCF-style: chr5-13817737-C-T.
Other names: short protein forms G2303D.
Identifiers: ClinVar variation 4854529 (VCV004854529.1).
Genomic context (GRCh38, chr5:13,817,628, plus strand): 5'-TTCCTCCAAAGCGTAGAAAATATCCCATCAGTCCAGTCATTTGTGGCAACGTCCAGCCGA[C>T]CAAACATCTGTGGGGCAGTAATCGCTTTGGGATTCATCCTCATTTCCCGATGTGGTTTTC-3'
Protein context (NP_001360.1, residues 2293-2313): PKAITAPQMF[Gly2303Asp]RLDVATNDWT